The following is an entry in ClinVar:

NM_001369.3(DNAH5):c.13458dup (p.Asn4487Ter)

Gene: DNAH5 (dynein axonemal heavy chain 5; minus strand). Cytogenetic location: 5p15.2.
Variant type: Duplication.
Coding change: c.13458dup on transcript NM_001369.3 (MANE Select); coding-DNA position 13458, one base duplicated (T; older notation c.13458dupT).
Protein change: p.Asn4487Ter; replaces asparagine 4487 with a stop codon.
Molecular consequence: nonsense.
Genome position (GRCh38, 1-based): chr5:13,701,317, A duplicated on the plus strand (T on the coding strand, the reverse complement: DNAH5 is on the minus strand); the first of 7 consecutive A bases (chr5:13,701,317-13,701,323); duplicating any one gives the same sequence. VCF-style (leftmost placement, unchanged base first): chr5-13701316-T-TA. GRCh37 (hg19) VCF-style: chr5-13701425-T-TA.
Other names: p.Asn4487*; c.13458dupT (NM_001369.2); short protein forms N4487*.
Identifiers: ClinVar variation 350995 (VCV000350995.41), dbSNP rs775696136, ClinGen allele CA3201359.
Genomic context (GRCh38, chr5:13,701,316, plus strand): 5'-CGCAACGGGTGCAAATCAGAGCTCTTACCTGTCGCATTGCAGTTAAAAATCCCTGGGGGT[T>TA]AAAAAAACCCGTCATCCAAAAGCAGTGAGGTCGGCCATTGAAAACCCACGAGGTAAACTG-3'

ClinVar aggregate classification (germline): Pathogenic/Likely pathogenic. Review status: criteria provided, multiple submitters, no conflicts (2 of 4 stars). 17 submissions from 17 submitters: Pathogenic (13); Likely pathogenic (2). 2 of the submissions do not count toward it. Last evaluated 2025-10-16.

Conditions:
DNAH5-related disorders.
Primary ciliary dyskinesia 3. Identifiers: Orphanet 244, MedGen C1837618, MONDO:0012085, OMIM 608644.
DNAH5-related disorder. Also called: DNAH5-related condition.
Primary ciliary dyskinesia. Also called: Ciliary dyskinesia. Identifiers: Orphanet 244, MedGen C0008780, MONDO:0016575, HP:0012265.

Submissions 1 to 13 of 17:

Mayo Clinic Laboratories, Mayo Clinic
Classification: Pathogenic. Last evaluated: 2025-10-16. Review status: criteria provided, single submitter. Criteria: ACMG Guidelines, 2015. Collection method: clinical testing. Allele origin: germline. Observed: 1 variant allele.
Comment: PM3_very_strong, PVS1

Natera, Inc.
Classification: Pathogenic for Primary ciliary dyskinesia. Last evaluated: 2025-07-03. Review status: criteria provided, single submitter. Criteria: Natera Variant Classification Schema (03/2026). Collection method: clinical testing. Allele origin: germline.
Comment: The c.13458dupT variant in DNAH5 is a frameshift variant predicted to shift the reading frame and introduce a stop codon. This variant is expected to result in nonsense mediated decay, truncation, or a dysfunctional protein product. This variant is rare in the general population with a frequency below the threshold expected for the associated phenotype(s). This variant has been observed in one or more individuals affected with the associated recessive disease, as either homozygous or compound heterozygous with a second variant (PMID: 30293990). Given the available evidence, this variant is classified as Pathogenic.

Blueprint Genetics
Classification: Pathogenic for DNAH5-related disorders. Last evaluated: 2024-10-07. Review status: criteria provided, single submitter. Criteria: ACMG Guidelines, 2015. Collection method: clinical testing. Allele origin: germline. Affected: yes. Observed: 5 variant alleles.

Labcorp Genetics (formerly Invitae), Labcorp
Classification: Pathogenic for Primary ciliary dyskinesia. Last evaluated: 2024-09-29. Review status: criteria provided, single submitter. Criteria: Invitae Variant Classification Sherloc (09022015). Collection method: clinical testing. Allele origin: germline.
Comment: This sequence change creates a premature translational stop signal (p.Asn4487*) in the DNAH5 gene. It is expected to result in an absent or disrupted protein product. Loss-of-function variants in DNAH5 are known to be pathogenic (PMID: 11788826, 16627867). This variant is present in population databases (rs775696136, gnomAD 0.01%). This premature translational stop signal has been observed in individual(s) with primary ciliary dyskinesia (PMID: 16627867, 21270641). ClinVar contains an entry for this variant (Variation ID: 350995). For these reasons, this variant has been classified as Pathogenic.

Fulgent Genetics
Classification: Pathogenic for Primary ciliary dyskinesia 3. Last evaluated: 2024-03-07. Review status: criteria provided, single submitter. Criteria: ACMG Guidelines, 2015. Collection method: clinical testing. Allele origin: germline.

GeneDx
Classification: Pathogenic. Last evaluated: 2023-10-26. Review status: criteria provided, single submitter. Criteria: GeneDx Variant Classification Process June 2021. Collection method: clinical testing. Allele origin: germline. Affected: yes.
Comment: Nonsense variant predicted to result in protein truncation or nonsense mediated decay in a gene for which loss-of-function is a known mechanism of disease; This variant is associated with the following publications: (PMID: 31638833, 34791246, 34758253, 24498942, 31980526, 31589614, 33635012, 35753512, 21270641, 30293990, 16627867, 31879361)

Clinical Genetics Laboratory, Skane University Hospital Lund
Classification: Pathogenic. Last evaluated: 2022-07-13. Review status: criteria provided, single submitter. Criteria: ACMG Guidelines, 2015. Collection method: clinical testing. Allele origin: germline. Affected: yes.

Victorian Clinical Genetics Services, Murdoch Childrens Research Institute
Classification: Pathogenic for Primary ciliary dyskinesia 3. Last evaluated: 2022-02-02. Review status: criteria provided, single submitter. Criteria: ACMG Guidelines, 2015. Collection method: clinical testing. Allele origin: germline. Inheritance: Autosomal recessive inheritance.
Comment: Based on the classification scheme VCGS_Germline_v1.3.4, this variant is classified as Pathogenic. Following criteria are met: 0102 - Loss of function is a known mechanism of disease in this gene and is associated with Primary ciliary dyskinesia 3 (MIM#608644). (I) 0106 - This gene is associated with autosomal recessive disease. (I) 0201 - Variant is predicted to cause nonsense-mediated decay (NMD) and loss of protein (premature termination codon is located at least 54 nucleotides upstream of the final exon-exon junction). (SP) 0251 - This variant is heterozygous. (I) 0304 - Variant is present in gnomAD <0.01 for a recessive condition (v2; 16 heterozygotes, 0 homozygotes). (SP) 0701 - Other variants predicted to result in NMD comparable to the one identified in this case have very strong previous evidence for pathogenicity (ClinVar, DECIPHER). (SP) 0801 - This variant has strong previous evidence of pathogenicity in unrelated individuals. It has been reported in multiple individuals with primary ciliary dyskinesia, both homozygotes and compound heterozygotes (ClinVar, PMID: 33635012). (SP) 1208 - Inheritance information for this variant is not currently available in this individual. (I) Legend: (SP) - Supporting pathogenic, (I) - Information, (SB) - Supporting benign

ARUP Laboratories, Molecular Genetics and Genomics, ARUP Laboratories
Classification: Pathogenic for Primary ciliary dyskinesia 3. Last evaluated: 2021-08-20. Review status: criteria provided, single submitter. Criteria: ARUP Molecular Germline Variant Investigation Process 2021. Collection method: clinical testing. Allele origin: germline.
Comment: The DNAH5 c.13458dupT; p.Asn4487Ter variant (rs775696136) is reported in the literature in the homozygous or compound heterozygous state in nine individuals affected with primary ciliary dyskinesia (Hornef 2006, Fassad 2020). This variant is also reported in ClinVar (Variation ID: 350995). This variant is found in the non-Finnish European population with an overall allele frequency of 0.01% (13/113666 alleles) in the Genome Aggregation Database. This variant results in an early termination codon and is predicted to results in a truncated protein or mRNA subject to nonsense-mediated decay. Based on available information, this variant is considered to be pathogenic. References: Hornef N et al. DNAH5 mutations are a common cause of primary ciliary dyskinesia with outer dynein arm defects. Am J Respir Crit Care Med. 2006 Jul 15;174(2):120-6. PMID: 16627867. Fassad MR et al. Clinical utility of NGS diagnosis and disease stratification in a multiethnic primary ciliary dyskinesia cohort. J Med Genet. 2020 May;57(5):322-330. PMID: 31879361.

Ambry Genetics
Classification: Pathogenic for Primary ciliary dyskinesia. Last evaluated: 2020-11-19. Review status: criteria provided, single submitter. Criteria: Ambry Variant Classification Scheme 2023. Collection method: clinical testing. Allele origin: germline.
Comment: The c.13458dupT pathogenic mutation (also known as p.N4487* and c.13458_13459insT), located in coding exon 77 of the DNAH5 gene, results from a duplication of T at nucleotide position 13458. This changes the amino acid from an asparagine to a stop codon within coding exon 77. This alteration was first identified in 4 families with PCD; it was detected in conjunction with another pathogenic mutation in 3 families and in the homozygous state in 1 family (Hornef N et al. Am. J. Respir. Crit. Care Med. 2006; 174:120-6). In addition to the clinical data presented in the literature, this alteration is expected to result in loss of function by premature protein truncation or nonsense-mediated mRNA decay. As such, this alteration is interpreted as a disease-causing mutation.

Centre for Genomic and Experimental Medicine, University of Edinburgh
Classification: Pathogenic for Primary ciliary dyskinesia. Last evaluated: 2020-04-01. Review status: criteria provided, single submitter. Criteria: ACMG Guidelines, 2015. Collection method: research. Allele origin: inherited, unknown. Affected: yes and no. Observed: 1 heterozygote, 1 compound heterozygote.

Cambridge Genomics Laboratory, East Genomic Laboratory Hub, NHS Genomic Medicine Service
Classification: Pathogenic for Primary ciliary dyskinesia. Last evaluated: 2019-12-18. Review status: criteria provided, single submitter. Criteria: ACGS Best Practice Guidelines for Variant Classification in Rare Disease 2020. Collection method: clinical testing. Allele origin: germline. Affected: yes. Observed: 1 variant allele.

Johns Hopkins Genomics, Johns Hopkins University
Classification: Pathogenic for Primary ciliary dyskinesia 3. Last evaluated: 2019-12-18. Review status: criteria provided, single submitter. Criteria: ACMG Guidelines, 2015. Collection method: clinical testing. Allele origin: germline.
Comment: This DNAH5 variant (rs775696136) has been identified in the homozgyous or compound heterozgygous state in multiple patients with primary ciliary dyskinesia. It is rare in population datasets (gnomAD: 16/251312 total alleles; 0.006367%; no homozygotes). Two submitters to ClinVar have classified DNAH5 c.13458dupT as either likely pathogenic or pathogenic. This frameshift variant results in a premature stop codon in exon 77 of 79 likely leading to nonsense-mediated decay and lack of protein production. We consider this variant to be pathogenic.